The following is an entry in ClinVar:

NM_005359.6(SMAD4):c.787+10T>C

Gene: SMAD4 (SMAD family member 4; plus strand). Cytogenetic location: 18q21.2.
Variant type: single nucleotide variant.
Coding change: c.787+10T>C on transcript NM_005359.6 (MANE Select); 10 bases into the intron after coding-DNA position 787, T replaced by C.
Molecular consequence: intron variant.
Genome position (GRCh38, 1-based): chr18:51,058,254, T>C. VCF-style: chr18-51058254-T-C. GRCh37 (hg19) VCF-style: chr18-48584624-T-C.
Identifiers: ClinVar variation 1079927 (VCV001079927.10), dbSNP rs2144427862, ClinGen allele CA2499225209.

ClinVar aggregate classification (germline): Likely benign. Review status: criteria provided, multiple submitters, no conflicts (2 of 4 stars). 2 submissions from 2 submitters: Likely benign (2). Last evaluated 2025-10-14.

Conditions:
Juvenile polyposis syndrome (JPS). Identifiers: Orphanet 2929, MedGen C0345893, MONDO:0017380, OMIM 174900.
Juvenile polyposis/hereditary hemorrhagic telangiectasia syndrome (JPHT). Also called: JP/HHT SYNDROME; JUVENILE POLYPOSIS WITH HEREDITARY HEMORRHAGIC TELANGIECTASIA; POLYPOSIS, GENERALIZED JUVENILE, WITH PULMONARY ARTERIOVENOUS MALFORMATION; TELANGIECTASIA, HEREDITARY HEMORRHAGIC, WITH JUVENILE POLYPOSIS COLI; Juvenile Polyposis Syndrome / Hereditary Hemorrhagic Telangiectasia (JPS/HHT). Identifiers: Orphanet 2929, MedGen C1832942, MONDO:0008278, OMIM 175050.

Allele frequency attached by ClinVar (database versions not stated): gnomAD exomes below 0.00001.
gnomAD v4.1: 1 of 1,611,178 alleles (0.000062%); highest among the groups gnomAD compares: Non-Finnish European, 0.000085%; no homozygotes.

Submissions (2):

Labcorp Genetics (formerly Invitae), Labcorp
Classification: Likely benign for Juvenile polyposis syndrome. Last evaluated: 2025-10-14. Review status: criteria provided, single submitter. Criteria: Invitae Variant Classification Sherloc (09022015). Collection method: clinical testing. Allele origin: germline.

Myriad Genetics, Inc.
Classification: Likely benign for Juvenile polyposis/hereditary hemorrhagic telangiectasia syndrome. Last evaluated: 2025-03-20. Review status: criteria provided, single submitter. Criteria: Myriad Autosomal Dominant, Autosomal Recessive and X-Linked Classification Criteria (2023). Collection method: clinical testing. Allele origin: unknown.
Comment: This variant is considered likely benign. This variant is intronic and is not expected to impact mRNA splicing.